The following is an entry in ClinVar:

ClinVar aggregate classification (germline): Uncertain significance (1 of 4 stars; one submission).

Conditions:
Hereditary nonpolyposis colorectal neoplasms. Identifiers: MedGen C0009405, MeSH D003123.

Submission:

Labcorp Genetics (formerly Invitae), Labcorp
Classification: Uncertain significance for Hereditary nonpolyposis colorectal neoplasms. Last evaluated: 2021-06-01. Review status: criteria provided, single submitter. Criteria: Invitae Variant Classification Sherloc (09022015). Collection method: clinical testing. Allele origin: germline.
Comment: This sequence change falls in intron 8 of the PMS2 gene. It does not directly change the encoded amino acid sequence of the PMS2 protein. It affects a nucleotide within the consensus splice site of the intron. This variant is not present in population databases (ExAC no frequency). This variant has not been reported in the literature in individuals with PMS2-related conditions. Nucleotide substitutions within the consensus splice site are a relatively common cause of aberrant splicing (PMID: 17576681, 9536098). Algorithms developed to predict the effect of sequence changes on RNA splicing suggest that this variant is not likely to affect RNA splicing, but this prediction has not been confirmed by published transcriptional studies. In summary, the available evidence is currently insufficient to determine the role of this variant in disease. Therefore, it has been classified as a Variant of Uncertain Significance.

Literature cited by the submitters: PubMed 17576681; PubMed 9536098.

NM_000535.7(PMS2):c.903+5T>A

Gene: PMS2 (PMS1 homolog 2, mismatch repair system component; minus strand). Cytogenetic location: 7p22.1.
Variant type: single nucleotide variant.
Coding change: c.903+5T>A on transcript NM_000535.7 (MANE Select); 5 bases into the intron after coding-DNA position 903, T replaced by A.
Molecular consequence: intron variant.
Genome position (GRCh38, 1-based): chr7:5,995,529, A>T on the plus strand (T>A on the coding strand, the complement: PMS2 is on the minus strand). VCF-style: chr7-5995529-A-T. GRCh37 (hg19) VCF-style: chr7-6035160-A-T.
Other names: c.585+5T>A (NM_001322008.2, NM_001322007.2); c.498+5T>A (NM_001322010.2, NM_001322004.2, NM_001322003.2 and 2 more transcripts); c.330+5T>A (NM_001322013.2); c.-31+5T>A (NM_001322012.2, NM_001322011.2); c.594+5T>A (NM_001322015.2); c.903+5T>A (NM_001322006.2, NM_001322014.2).
Identifiers: ClinVar variation 1495778 (VCV001495778.6), dbSNP rs1419635604, ClinGen allele CA2573141992.